The following is an entry in ClinVar:

ClinVar aggregate classification (germline): Uncertain significance (1 of 4 stars; one submission).

Conditions:
BAP1-related tumor predisposition syndrome (TPDS1). Also called: Tumor susceptibility linked to germline BAP1 mutations; BAP1 tumor predisposition syndrome; COMMON Syndrome; TUMOR PREDISPOSITION SYNDROME 1. Identifiers: Orphanet 289539, MedGen C3280492, MONDO:0013692, OMIM 614327.

Submission:

Labcorp Genetics (formerly Invitae), Labcorp
Classification: Uncertain significance for BAP1-related tumor predisposition syndrome. Last evaluated: 2025-08-11. Review status: criteria provided, single submitter. Criteria: Invitae Variant Classification Sherloc (09022015). Collection method: clinical testing. Allele origin: germline.
Comment: This sequence change replaces valine, which is neutral and non-polar, with alanine, which is neutral and non-polar, at codon 250 of the BAP1 protein (p.Val250Ala). This variant is not present in population databases (gnomAD no frequency). This variant has not been reported in the literature in individuals affected with BAP1-related conditions. Invitae Evidence Modeling of protein sequence and biophysical properties (such as structural, functional, and spatial information, amino acid conservation, physicochemical variation, residue mobility, and thermodynamic stability) indicates that this missense variant is not expected to disrupt BAP1 protein function with a negative predictive value of 80%. In summary, the available evidence is currently insufficient to determine the role of this variant in disease. Therefore, it has been classified as a Variant of Uncertain Significance.

NM_004656.4(BAP1):c.749T>C (p.Val250Ala)

Gene: BAP1 (BRCA1 associated deubiquitinase 1; minus strand). Cytogenetic location: 3p21.1.
Variant type: single nucleotide variant.
Coding change: c.749T>C on transcript NM_004656.4 (MANE Select); coding-DNA position 749, T replaced by C.
Protein change: p.Val250Ala; replaces valine 250 with alanine.
Molecular consequence: missense variant.
Genome position (GRCh38, 1-based): chr3:52,406,287, A>G on the plus strand (T>C on the coding strand, the complement: BAP1 is on the minus strand). VCF-style: chr3-52406287-A-G. GRCh37 (hg19) VCF-style: chr3-52440303-A-G.
Other names: c.695T>C, p.Val232Ala (NM_001410772.1); short protein forms V232A, V250A.
Identifiers: ClinVar variation 4805349 (VCV004805349.1).
Genomic context (GRCh38, chr3:52,406,287, plus strand): 5'-AGAGGCCAGGAAGAAAGGGCACCTACCTGCTGCAGAGCCTCTAGTACTGTCTGACGGTTC[A>G]CCTTCAGCACATGCAGCCTGGCCTCATACTTGATCCTGCGGTCGGGCACCACTGCCATCA-3'
Protein context (NP_004647.1, residues 240-260): KYEARLHVLK[Val250Ala]NRQTVLEALQ